The following is an entry in ClinVar:

ClinVar aggregate classification (germline): Likely benign (1 of 4 stars; one submission).

Allele frequency attached by ClinVar (database versions not stated): gnomAD exomes 0.00003; TOPMed 0.00003; ExAC 0.00005; gnomAD 0.00007.
gnomAD v4.1: 58 of 1,614,036 alleles (0.0036%); highest among the groups gnomAD compares: Non-Finnish European, 0.0013%; no homozygotes.

Submission:

CeGaT Center for Human Genetics Tuebingen
Classification: Likely benign. Last evaluated: 2023-12-01. Review status: criteria provided, single submitter. Criteria: CeGaT Center For Human Genetics Tuebingen Variant Classification Criteria Version 2. Collection method: clinical testing. Allele origin: germline. Affected: yes. Observed: 1 variant allele.
Comment: SON: BP4

NM_138927.4(SON):c.1119G>A (p.Gln373=)

Gene: SON (SON DNA and RNA binding protein; plus strand). Cytogenetic location: 21q22.11.
Variant type: single nucleotide variant.
Coding change: c.1119G>A on transcript NM_138927.4 (MANE Select); coding-DNA position 1119, G replaced by A.
Protein change: p.Gln373=; no amino-acid change (glutamine 373 retained).
Molecular consequence: synonymous variant. On other transcripts: non-coding transcript variant (1), intron variant (1).
Genome position (GRCh38, 1-based): chr21:33,550,350, G>A. VCF-style: chr21-33550350-G-A. GRCh37 (hg19) VCF-style: chr21-34922656-G-A.
Other names: c.1119G>A, p.Gln373= (NM_001291411.2, NM_001412133.1, NM_032195.3 and 2 more transcripts); c.244+3971G>A (NM_001291412.3).
Identifiers: ClinVar variation 3026272 (VCV003026272.22), dbSNP rs758179842, ClinGen allele CA10008821.